The following is an entry in ClinVar:

NM_032578.4(MYPN):c.335G>A (p.Ser112Asn)

Gene: MYPN (myopalladin; plus strand). Cytogenetic location: 10q21.3.
Variant type: single nucleotide variant.
Coding change: c.335G>A on transcript NM_032578.4 (MANE Select); coding-DNA position 335, G replaced by A.
Protein change: p.Ser112Asn; replaces serine 112 with asparagine.
Molecular consequence: missense variant. On other transcripts: 5 prime UTR variant (1), non-coding transcript variant (1).
Genome position (GRCh38, 1-based): chr10:68,121,773, G>A. VCF-style: chr10-68121773-G-A. GRCh37 (hg19) VCF-style: chr10-69881530-G-A.
Other names: c.335G>A, p.Ser112Asn (NM_001256267.2); c.-788G>A (NM_001256268.2); short protein forms S112N.
Identifiers: ClinVar variation 3298135 (VCV003298135.1).

ClinVar aggregate classification (germline): Uncertain significance (1 of 4 stars; one submission).

Conditions:
Cardiovascular phenotype. Identifiers: MedGen CN230736.

Submission:

Ambry Genetics
Classification: Uncertain significance for Cardiovascular phenotype. Last evaluated: 2024-04-20. Review status: criteria provided, single submitter. Criteria: Ambry Variant Classification Scheme 2023. Collection method: clinical testing. Allele origin: germline.
Comment: The p.S112N variant (also known as c.335G>A), located in coding exon 1 of the MYPN gene, results from a G to A substitution at nucleotide position 335. The serine at codon 112 is replaced by asparagine, an amino acid with highly similar properties. This amino acid position is conserved. In addition, this alteration is predicted to be tolerated by in silico analysis. Based on the available evidence, the clinical significance of this variant remains unclear.